The following is an entry in ClinVar:

NM_002546.4(TNFRSF11B):c.401-5_401-4inv

Gene: TNFRSF11B (TNF receptor superfamily member 11b; minus strand). Cytogenetic location: 8q24.12.
Variant type: Inversion.
Coding change: c.401-5_401-4inv on transcript NM_002546.4 (MANE Select).
Molecular consequence: intron variant.
Genome position: GRCh38 VCF-style: chr8-118928933-CA-TG. GRCh37 (hg19) VCF-style: chr8-119941172-CA-TG.
Identifiers: ClinVar variation 3616024 (VCV003616024.2).

ClinVar aggregate classification (germline): Uncertain significance (1 of 4 stars; one submission).

Submission:

Labcorp Genetics (formerly Invitae), Labcorp
Classification: Uncertain significance. Last evaluated: 2024-11-30. Review status: criteria provided, single submitter. Criteria: Invitae Variant Classification Sherloc (09022015). Collection method: clinical testing. Allele origin: germline.
Comment: This sequence change falls in intron 2 of the TNFRSF11B gene. It does not directly change the encoded amino acid sequence of the TNFRSF11B protein. Information on the frequency of this variant in the gnomAD database is not available, as this variant may be reported differently in the database. This variant has not been reported in the literature in individuals affected with TNFRSF11B-related conditions. Experimental studies and prediction algorithms are not available or were not evaluated, and the effect of this variant on mRNA splicing is currently unknown. In summary, the available evidence is currently insufficient to determine the role of this variant in disease. Therefore, it has been classified as a Variant of Uncertain Significance.